The following is an entry in ClinVar:

ClinVar aggregate classification (germline): Uncertain significance (1 of 4 stars; one submission).

Conditions:
Hereditary cancer-predisposing syndrome. Also called: Neoplastic Syndromes, Hereditary; Tumor predisposition; Hereditary Cancer Syndrome; Hereditary neoplastic syndrome. Identifiers: Orphanet 140162, MedGen C0027672, MeSH D009386, MONDO:0015356.

Submission:

Ambry Genetics
Classification: Uncertain significance for Hereditary cancer-predisposing syndrome. Last evaluated: 2025-12-15. Review status: criteria provided, single submitter. Criteria: Ambry Variant Classification Scheme 2023. Collection method: clinical testing. Allele origin: germline.
Comment: The p.S79I variant (also known as c.236G>T), located in coding exon 3 of the APC gene, results from a G to T substitution at nucleotide position 236. The serine at codon 79 is replaced by isoleucine, an amino acid with dissimilar properties. This amino acid position is conserved. In addition, in silico predictors for this gene do not accurately predict pathogenicity. Based on the available evidence, the clinical significance of this variant remains unclear.

NM_000038.6(APC):c.236G>T (p.Ser79Ile)

Gene: APC (APC regulator of Wnt signaling pathway; plus strand). Cytogenetic location: 5q22.2.
Variant type: single nucleotide variant.
Coding change: c.236G>T on transcript NM_000038.6 (MANE Select); coding-DNA position 236, G replaced by T.
Protein change: p.Ser79Ile; replaces serine 79 with isoleucine.
Molecular consequence: missense variant. On other transcripts: 5 prime UTR variant (4), non-coding transcript variant (2).
Genome position (GRCh38, 1-based): chr5:112,767,204, G>T. VCF-style: chr5-112767204-G-T. GRCh37 (hg19) VCF-style: chr5-112102901-G-T.
Other names: c.236G>T, p.Ser79Ile (NM_001407458.1, NM_001407459.1, NM_001407460.1 and 16 more transcripts); c.-800G>T (NM_001407470.1, NM_001407471.1, NM_001407472.1 and 1 more transcripts); c.266G>T, p.Ser89Ile (NM_001127511.3, NM_001354897.2, NM_001354902.2 and 1 more transcripts); c.161G>T, p.Ser54Ile (NM_001354898.2, NM_001354904.2, NM_001407451.1); c.59G>T, p.Ser20Ile (NM_001354900.2, NM_001354901.2, NM_001354905.2 and 1 more transcripts); short protein forms S89I, S20I, S54I, S79I.
Identifiers: ClinVar variation 4843507 (VCV004843507.1).
Genomic context (GRCh38, chr5:112,767,204, plus strand): 5'-GCTTAAAGCAATTGTTGTATAAAAACTTGTTTCTATTTTATTTAGAGCTTAACTTAGATA[G>T]CAGTAATTTCCCTGGAGTAAAACTGCGGTCAAAAATGTCCCTCCGTTCTTATGGAAGCCG-3'
Protein context (NP_000029.2, residues 69-89): LERLKELNLD[Ser79Ile]SNFPGVKLRS